The following is an entry in ClinVar:

ClinVar aggregate classification (germline): Pathogenic/Likely pathogenic. Review status: criteria provided, multiple submitters, no conflicts (2 of 4 stars). 4 submissions from 4 submitters: Pathogenic (3); Likely pathogenic (1). Last evaluated 2024-04-10.

Conditions:
Maple syrup urine disease (MSUD). Identifiers: Orphanet 511, MedGen C0024776, MeSH D008375, MONDO:0009563. Disease mechanism: loss of function.
Maple syrup urine disease type 1A (MSUD1A). Also called: MSUD type 1A. Identifiers: MedGen C1855369, MONDO:0023691, OMIM 248600.
Maple syrup urine disease type 1B (MSUD1B). Also called: MSUD type IB; MSUD type 3 (formerly); MSUD due to deficiency of e1-beta subunit of branched-chain alpha-keto acid dehydrogenase complex. Identifiers: MedGen C2930990, MONDO:0023692, OMIM 620698.

Submissions (4):

Fulgent Genetics
Classification: Pathogenic for Maple syrup urine disease type 1B. Last evaluated: 2024-04-10. Review status: criteria provided, single submitter. Criteria: ACMG Guidelines, 2015. Collection method: clinical testing. Allele origin: germline.

Women's Health and Genetics/Laboratory Corporation of America, LabCorp
Classification: Pathogenic for Maple syrup urine disease. Last evaluated: 2024-04-05. Review status: criteria provided, single submitter. Criteria: LabCorp Variant Classification Summary - May 2015. Collection method: clinical testing. Allele origin: germline.
Comment: Variant summary: BCKDHB c.392G>T (p.Gly131Val) results in a non-conservative amino acid change located in the Transketolase-like, pyrimidine-binding domain (IPR005475) of the encoded protein sequence. Five of five in-silico tools predict a damaging effect of the variant on protein function. The variant was absent in 251182 control chromosomes. c.392G>T has been reported in the literature in multiple homozygous and compound heterozygous individuals affected with classic Maple Syrup Urine Disease (e.g. Strauss_2020, Margutti_2020, Campanholi_2021). These data indicate that the variant is very likely to be associated with disease. To our knowledge, no experimental evidence demonstrating an impact on protein function has been reported. The following publications have been ascertained in the context of this evaluation (PMID: 33955723, 33131499, 31980395). ClinVar contains an entry for this variant (Variation ID: 1407094). Based on the evidence outlined above, the variant was classified as pathogenic.

Baylor Genetics
Classification: Likely pathogenic for Maple syrup urine disease type 1A. Last evaluated: 2024-02-12. Review status: criteria provided, single submitter. Criteria: ACMG Guidelines, 2015. Collection method: clinical testing. Allele origin: unknown.

Labcorp Genetics (formerly Invitae), Labcorp
Classification: Pathogenic for Maple syrup urine disease. Last evaluated: 2022-10-24. Review status: criteria provided, single submitter. Criteria: Invitae Variant Classification Sherloc (09022015). Collection method: clinical testing. Allele origin: germline.
Comment: This sequence change replaces glycine, which is neutral and non-polar, with valine, which is neutral and non-polar, at codon 131 of the BCKDHB protein (p.Gly131Val). This variant is not present in population databases (gnomAD no frequency). This missense change has been observed in individual(s) with maple syrup urine disease (PMID: 31980395, 33955723). ClinVar contains an entry for this variant (Variation ID: 1407094). Advanced modeling of protein sequence and biophysical properties (such as structural, functional, and spatial information, amino acid conservation, physicochemical variation, residue mobility, and thermodynamic stability) performed at Invitae indicates that this missense variant is expected to disrupt BCKDHB protein function. This variant disrupts the p.Gly131 amino acid residue in BCKDHB. Other variant(s) that disrupt this residue have been determined to be pathogenic (PMID: 29740478, 32193832). This suggests that this residue is clinically significant, and that variants that disrupt this residue are likely to be disease-causing. For these reasons, this variant has been classified as Pathogenic.

Literature cited by the submitters: PubMed 31980395 (cited by Women's Health and Genetics/Laboratory Corporation of America, LabCorp and Labcorp Genetics (formerly Invitae), Labcorp); PubMed 33131499 (cited by Women's Health and Genetics/Laboratory Corporation of America, LabCorp); PubMed 33955723 (cited by Women's Health and Genetics/Laboratory Corporation of America, LabCorp and Labcorp Genetics (formerly Invitae), Labcorp); PubMed 29740478 (cited by Labcorp Genetics (formerly Invitae), Labcorp); PubMed 32193832 (cited by Labcorp Genetics (formerly Invitae), Labcorp).

NM_183050.4(BCKDHB):c.392G>T (p.Gly131Val)

Gene: BCKDHB (branched chain keto acid dehydrogenase E1 subunit beta; plus strand). Cytogenetic location: 6q14.1.
Variant type: single nucleotide variant.
Coding change: c.392G>T on transcript NM_183050.4 (MANE Select); coding-DNA position 392, G replaced by T.
Protein change: p.Gly131Val; replaces glycine 131 with valine.
Molecular consequence: missense variant. On other transcripts: non-coding transcript variant (1).
Genome position (GRCh38, 1-based): chr6:80,167,726, G>T. VCF-style: chr6-80167726-G-T. GRCh37 (hg19) VCF-style: chr6-80877443-G-T.
Other names: c.392G>T, p.Gly131Val (NM_000056.5); c.182G>T, p.Gly61Val (NM_001318975.1); c.392G>T (NM_183050.3); short protein forms G131V, G61V.
Identifiers: ClinVar variation 1407094 (VCV001407094.9), dbSNP rs774472182, ClinGen allele CA364660459.